The following is an entry in ClinVar:

NM_198252.3(GSN):c.1417-14T>A

Gene: GSN (gelsolin; plus strand). Cytogenetic location: 9q33.2.
Variant type: single nucleotide variant.
Coding change: c.1417-14T>A on transcript NM_198252.3 (MANE Select); 14 bases into the intron before coding-DNA position 1417, T replaced by A.
Molecular consequence: intron variant.
Genome position (GRCh38, 1-based): chr9:121,326,498, T>A. VCF-style: chr9-121326498-T-A. GRCh37 (hg19) VCF-style: chr9-124088776-T-A.
Other names: c.1417-14T>A (NM_001353054.1, NM_001353053.1, NM_001353060.2 and 10 more transcripts); c.1450-14T>A (NM_001353064.2, NM_001353066.2, NM_001353073.2 and 13 more transcripts); c.1525-14T>A (NM_001127663.2); c.1489-14T>A (NM_001353076.2); c.763-14T>A (NM_001353078.2); c.1468-14T>A (NM_001258029.2); c.1441-14T>A (NM_001258030.2); c.1570-14T>A (NM_000177.5).
Identifiers: ClinVar variation 1954747 (VCV001954747.5), dbSNP rs2063183964, ClinGen allele CA1128804253.

ClinVar aggregate classification (germline): Uncertain significance (1 of 4 stars; one submission).

Allele frequency attached by ClinVar (database versions not stated): gnomAD 0.00001.
gnomAD v4.1: 1 of 1,612,622 alleles (0.000062%); highest among the groups gnomAD compares: Admixed American, 0.0017%; no homozygotes.

Submission:

Labcorp Genetics (formerly Invitae), Labcorp
Classification: Uncertain significance. Last evaluated: 2022-04-04. Review status: criteria provided, single submitter. Criteria: Invitae Variant Classification Sherloc (09022015). Collection method: clinical testing. Allele origin: germline.
Comment: Algorithms developed to predict the effect of sequence changes on RNA splicing suggest that this variant may disrupt the consensus splice site. In summary, the available evidence is currently insufficient to determine the role of this variant in disease. Therefore, it has been classified as a Variant of Uncertain Significance. This variant has not been reported in the literature in individuals affected with GSN-related conditions. This sequence change falls in intron 11 of the GSN gene. It does not directly change the encoded amino acid sequence of the GSN protein. This variant is not present in population databases (gnomAD no frequency).